The following is an entry in ClinVar:

ClinVar aggregate classification (germline): Conflicting classifications of pathogenicity. Review status: criteria provided, conflicting classifications (1 of 4 stars). 5 submissions from 5 submitters: Uncertain significance (4); Likely benign (1). Last evaluated 2024-12-16.

Conditions:
Hereditary cancer-predisposing syndrome. Also called: Tumor predisposition; Hereditary Cancer Syndrome; Hereditary neoplastic syndrome; Neoplastic Syndromes, Hereditary. Identifiers: Orphanet 140162, MedGen C0027672, MeSH D009386, MONDO:0015356.
Familial adenomatous polyposis 2. Also called: FAP type 2; MUTYH Polyposis; COLORECTAL ADENOMATOUS POLYPOSIS, AUTOSOMAL RECESSIVE; ADENOMAS, MULTIPLE COLORECTAL, AUTOSOMAL RECESSIVE; MUTYH-associated polyposis; MUTYH-related attenuated familial adenomatous polyposis. Identifiers: Orphanet 220460, Orphanet 247798, MedGen C3272841, MONDO:0012041, OMIM 608456.

Allele frequency attached by ClinVar (database versions not stated): gnomAD exomes below 0.00001.
gnomAD v4.1: 3 of 1,614,154 alleles (0.00019%); highest among the groups gnomAD compares: South Asian, 0.0011%; no homozygotes.

Submissions (5):

Women's Health and Genetics/Laboratory Corporation of America, LabCorp
Classification: Likely benign. Last evaluated: 2024-12-16. Review status: criteria provided, single submitter. Criteria: LabCorp Variant Classification Summary - May 2015. Collection method: clinical testing. Allele origin: germline.

Ambry Genetics
Classification: Uncertain significance for Hereditary cancer-predisposing syndrome. Last evaluated: 2024-04-30. Review status: criteria provided, single submitter. Criteria: Ambry Variant Classification Scheme 2023. Collection method: clinical testing. Allele origin: germline.
Comment: The c.864A>G variant (also known as p.T288T), located in coding exon 10 of the MUTYH gene, results from an A to G substitution at nucleotide position 864. This nucleotide substitution does not change the threonine at codon 288. This nucleotide position is not well conserved in available vertebrate species. In silico splice site analysis predicts that this alteration will result in the creation or strengthening of a novel splice donor site; however, direct evidence is insufficient at this time (Ambry internal data). Based on the available evidence, the clinical significance of this variant remains unclear.

Baylor Genetics
Classification: Uncertain significance for Familial adenomatous polyposis 2. Last evaluated: 2023-10-18. Review status: criteria provided, single submitter. Criteria: ACMG Guidelines, 2015. Collection method: clinical testing. Allele origin: unknown.

Color Diagnostics, LLC DBA Color Health
Classification: Uncertain significance for Hereditary cancer-predisposing syndrome. Last evaluated: 2022-08-12. Review status: criteria provided, single submitter. Criteria: ACMG Guidelines, 2015. Collection method: clinical testing. Allele origin: germline.
Comment: This synonymous variant causes a A>G nucleotide change in exon 10 of the MUTYH gene. Splice site prediction tools indicate that this variant may activate a cryptic splice donor site 70 nucleotides upstream of the native intron 10 splice donor site. To our knowledge, functional studies have not been reported for this variant. This variant has not been reported in individuals affected with hereditary cancer in the literature. This variant has not been identified in the general population by the Genome Aggregation Database (gnomAD). The available evidence is insufficient to determine the role of this variant in disease conclusively. Therefore, this variant is classified as a Variant of Uncertain Significance.

Labcorp Genetics (formerly Invitae), Labcorp
Classification: Uncertain significance for Familial adenomatous polyposis 2. Last evaluated: 2022-05-11. Review status: criteria provided, single submitter. Criteria: Invitae Variant Classification Sherloc (09022015). Collection method: clinical testing. Allele origin: germline.
Comment: In summary, the available evidence is currently insufficient to determine the role of this variant in disease. Therefore, it has been classified as a Variant of Uncertain Significance. Algorithms developed to predict the effect of sequence changes on RNA splicing suggest that this variant may create or strengthen a splice site. This sequence change affects codon 288 of the MUTYH mRNA. It is a 'silent' change, meaning that it does not change the encoded amino acid sequence of the MUTYH protein. This variant is not present in population databases (gnomAD no frequency). This variant has not been reported in the literature in individuals affected with MUTYH-related conditions. ClinVar contains an entry for this variant (Variation ID: 841464).

NM_001048174.2(MUTYH):c.780A>G (p.Thr260=)

Gene: MUTYH (mutY DNA glycosylase; minus strand). Cytogenetic location: 1p34.1.
Variant type: single nucleotide variant.
Coding change: c.780A>G on transcript NM_001048174.2 (MANE Select); coding-DNA position 780, A replaced by G.
Protein change: p.Thr260=; no amino-acid change (threonine 260 retained).
Molecular consequence: synonymous variant. On other transcripts: non-coding transcript variant (2).
Genome position (GRCh38, 1-based): chr1:45,332,235, T>C on the plus strand (A>G on the coding strand, the complement: MUTYH is on the minus strand). VCF-style: chr1-45332235-T-C. GRCh37 (hg19) VCF-style: chr1-45797907-T-C.
Other names: c.780A>G, p.Thr260= (NM_001048171.2, NM_001048173.2, NM_001293195.2); c.783A>G, p.Thr261= (NM_001048172.2); c.864A>G, p.Thr288= (NM_001128425.2); c.825A>G, p.Thr275= (NM_001293190.2); c.813A>G, p.Thr271= (NM_001293191.2); c.504A>G, p.Thr168= (NM_001293192.2, NM_001293196.2); c.435A>G, p.Thr145= (NM_001350650.2, NM_001350651.2); c.855A>G, p.Thr285= (NM_012222.3).
Identifiers: ClinVar variation 841464 (VCV000841464.12), dbSNP rs1557470829, ClinGen allele CA417880161.